The following is an entry in ClinVar:

NM_006648.4(WNK2):c.4583C>A (p.Pro1528His)

Gene: WNK2 (WNK lysine deficient protein kinase 2; plus strand). Cytogenetic location: 9q22.31.
Variant type: single nucleotide variant.
Coding change: c.4583C>A on transcript NM_006648.4 (MANE Select); coding-DNA position 4583, C replaced by A.
Protein change: p.Pro1528His; replaces proline 1528 with histidine.
Molecular consequence: missense variant.
Genome position (GRCh38, 1-based): chr9:93,289,337, C>A. VCF-style: chr9-93289337-C-A. GRCh37 (hg19) VCF-style: chr9-96051619-C-A.
Other names: c.4694C>A, p.Pro1565His (NM_001282394.3); short protein forms P1528H, P1565H.
Identifiers: ClinVar variation 3981699 (VCV003981699.1).

ClinVar aggregate classification (germline): Uncertain significance (1 of 4 stars; one submission).

gnomAD v4.1: 1 of 1,606,312 alleles (0.000062%); highest among the groups gnomAD compares: Non-Finnish European, 0.000085%; no homozygotes.

Submission:

Ambry Genetics
Classification: Uncertain significance. Last evaluated: 2025-03-22. Review status: criteria provided, single submitter. Criteria: Ambry Variant Classification Scheme 2023. Collection method: clinical testing. Allele origin: germline.
Comment: The p.P1528H variant (also known as c.4583C>A), located in coding exon 19 of the WNK2 gene, results from a C to A substitution at nucleotide position 4583. The proline at codon 1528 is replaced by histidine, an amino acid with similar properties. This amino acid position is conserved. In addition, this alteration is predicted to be tolerated by in silico analysis. Based on the available evidence, the clinical significance of this variant remains unclear.